The following is an entry in ClinVar:

ClinVar aggregate classification (germline): Uncertain significance (1 of 4 stars; one submission).

Conditions:
Glycogen storage disease IXd (GSD9D). Also called: Muscle Phosphorylase Kinase Deficiency; GSD IXd. Identifiers: Orphanet 715, MedGen C1845151, MONDO:0010362, OMIM 300559.

Submission:

Labcorp Genetics (formerly Invitae), Labcorp
Classification: Uncertain significance for Glycogen storage disease IXd. Last evaluated: 2024-05-12. Review status: criteria provided, single submitter. Criteria: Invitae Variant Classification Sherloc (09022015). Collection method: clinical testing. Allele origin: germline.
Comment: This sequence change replaces isoleucine, which is neutral and non-polar, with valine, which is neutral and non-polar, at codon 513 of the PHKA1 protein (p.Ile513Val). This variant is not present in population databases (gnomAD no frequency). This variant has not been reported in the literature in individuals affected with PHKA1-related conditions. Advanced modeling of protein sequence and biophysical properties (such as structural, functional, and spatial information, amino acid conservation, physicochemical variation, residue mobility, and thermodynamic stability) performed at Invitae indicates that this missense variant is not expected to disrupt PHKA1 protein function with a negative predictive value of 80%. In summary, the available evidence is currently insufficient to determine the role of this variant in disease. Therefore, it has been classified as a Variant of Uncertain Significance.

NM_002637.4(PHKA1):c.1537A>G (p.Ile513Val)

Gene: PHKA1 (phosphorylase kinase regulatory subunit alpha 1; minus strand). Cytogenetic location: Xq13.1.
Variant type: single nucleotide variant.
Coding change: c.1537A>G on transcript NM_002637.4 (MANE Select); coding-DNA position 1537, A replaced by G.
Protein change: p.Ile513Val; replaces isoleucine 513 with valine.
Molecular consequence: missense variant.
Genome position (GRCh38, 1-based): chrX:72,636,309, T>C on the plus strand (A>G on the coding strand, the complement: PHKA1 is on the minus strand). VCF-style: chrX-72636309-T-C. GRCh37 (hg19) VCF-style: chrX-71856159-T-C.
Other names: c.1537A>G, p.Ile513Val (NM_001122670.2, NM_001172436.2, NM_001431068.1); short protein forms I513V.
Identifiers: ClinVar variation 3653127 (VCV003653127.2).
Genomic context (GRCh38, chrX:72,636,309, plus strand): 5'-AATGCACATTCCAGTTTATTTCACCCACCTGTGGAGTGAAAGTAAAGATAGTTTTCCGAA[T>C]GTCATAGAGTTTTGAAGTTCCAAGCACTCCCATGTGTCTGTAGGGTCGTCCACTGAGTTT-3'
Protein context (NP_002628.2, residues 503-523): GVLGTSKLYD[Ile513Val]RKTIFTFTPQ